The following is an entry in ClinVar:

NM_000222.3(KIT):c.567C>A (p.Asp189Glu)

Gene: KIT (KIT proto-oncogene, receptor tyrosine kinase; plus strand). Cytogenetic location: 4q12.
Variant type: single nucleotide variant.
Coding change: c.567C>A on transcript NM_000222.3 (MANE Select); coding-DNA position 567, C replaced by A.
Protein change: p.Asp189Glu; replaces aspartic acid 189 with glutamic acid.
Molecular consequence: missense variant.
Genome position (GRCh38, 1-based): chr4:54,698,513, C>A. VCF-style: chr4-54698513-C-A. GRCh37 (hg19) VCF-style: chr4-55564679-C-A.
Other names: c.567C>A, p.Asp189Glu (NM_001093772.2, NM_001385284.1, NM_001385285.1 and 4 more transcripts); short protein forms D189E.
Identifiers: ClinVar variation 857622 (VCV000857622.10), dbSNP rs1720236336, ClinGen allele CA356897957.

ClinVar aggregate classification (germline): Uncertain significance (1 of 4 stars; one submission).

Conditions:
Gastrointestinal stromal tumor. Also called: Gastrointestinal stromal tumor, somatic; Gastrointestinal stroma tumor. Identifiers: Orphanet 44890, MedGen C0238198, MeSH D046152, MONDO:0011719, OMIM 606764, HP:0100723.

Submission:

Labcorp Genetics (formerly Invitae), Labcorp
Classification: Uncertain significance for Gastrointestinal stromal tumor. Last evaluated: 2019-11-19. Review status: criteria provided, single submitter. Criteria: Invitae Variant Classification Sherloc (09022015). Collection method: clinical testing. Allele origin: germline.
Comment: In summary, the available evidence is currently insufficient to determine the role of this variant in disease. Therefore, it has been classified as a Variant of Uncertain Significance. Algorithms developed to predict the effect of missense changes on protein structure and function output the following: SIFT: "Tolerated"; PolyPhen-2: "Benign"; Align-GVGD: "Class C0". The glutamic acid amino acid residue is found in multiple mammalian species, suggesting that this missense change does not adversely affect protein function. These predictions have not been confirmed by published functional studies and their clinical significance is uncertain. This variant has not been reported in the literature in individuals with KIT-related conditions. This variant is not present in population databases (ExAC no frequency). This sequence change replaces aspartic acid with glutamic acid at codon 189 of the KIT protein (p.Asp189Glu). The aspartic acid residue is weakly conserved and there is a small physicochemical difference between aspartic acid and glutamic acid.